The following is an entry in ClinVar:

ClinVar aggregate classification (germline): Uncertain significance (1 of 4 stars; one submission).

Conditions:
Radio-Tartaglia syndrome. Identifiers: Orphanet 662234, MedGen C5543339, MONDO:0859143, OMIM 619312.

gnomAD v4.1: 10 of 1,613,942 alleles (0.00062%); highest among the groups gnomAD compares: Admixed American, 0.0017%; no homozygotes.

Submission:

Juno Genomics, Hangzhou Juno Genomics, Inc
Classification: Uncertain significance for Radio-Tartaglia syndrome. Review status: criteria provided, single submitter. Criteria: ACMG Guidelines, 2015. Collection method: clinical testing. Allele origin: germline.
Comment: Absent from controls (or at extremely low frequency if recessive) in Genome Aggregation Database.;Missense variant in a gene that has a low rate of benign missense variation.

NM_015001.3(SPEN):c.227C>T (p.Thr76Met)

Gene: SPEN (spen family transcriptional repressor; plus strand). Cytogenetic location: 1p36.21.
Variant type: single nucleotide variant.
Coding change: c.227C>T on transcript NM_015001.3 (MANE Select); coding-DNA position 227, C replaced by T.
Protein change: p.Thr76Met; replaces threonine 76 with methionine.
Molecular consequence: missense variant.
Genome position (GRCh38, 1-based): chr1:15,872,959, C>T. VCF-style: chr1-15872959-C-T. GRCh37 (hg19) VCF-style: chr1-16199454-C-T.
Other names: short protein forms T76M.
Identifiers: ClinVar variation 5004994 (VCV005004994.2).